The following is an entry in ClinVar:

ClinVar aggregate classification (germline): Uncertain significance. Review status: criteria provided, multiple submitters, no conflicts (2 of 4 stars). 6 submissions from 6 submitters: Uncertain significance (5). 1 of the submissions does not count toward it. Last evaluated 2025-12-10.

Conditions:
Hereditary cancer-predisposing syndrome. Also called: Hereditary Cancer Syndrome; Hereditary neoplastic syndrome; Neoplastic Syndromes, Hereditary; Tumor predisposition. Identifiers: Orphanet 140162, MedGen C0027672, MeSH D009386, MONDO:0015356.
Bloom syndrome (BLM). Also called: Bloom-Torre-Machacek syndrome. Identifiers: Orphanet 125, MedGen C0005859, MONDO:0008876, OMIM 210900.

Allele frequency attached by ClinVar (database versions not stated): gnomAD 0.00001; gnomAD exomes 0.00001; TOPMed 0.00001.
gnomAD v4.1: 11 of 1,613,838 alleles (0.00068%); highest among the groups gnomAD compares: East Asian, 0.0022%; no homozygotes.

Submissions (7):

Labcorp Genetics (formerly Invitae), Labcorp
Classification: Uncertain significance for Bloom syndrome. Last evaluated: 2025-12-10. Review status: criteria provided, single submitter. Criteria: Invitae Variant Classification Sherloc (09022015). Collection method: clinical testing. Allele origin: germline.
Comment: This sequence change replaces tyrosine, which is neutral and polar, with cysteine, which is neutral and slightly polar, at codon 784 of the BLM protein (p.Tyr784Cys). This variant is present in population databases (no rsID available, gnomAD 0.005%). This variant has not been reported in the literature in individuals affected with BLM-related conditions. ClinVar contains an entry for this variant (Variation ID: 454100). Invitae Evidence Modeling of protein sequence and biophysical properties (such as structural, functional, and spatial information, amino acid conservation, physicochemical variation, residue mobility, and thermodynamic stability) indicates that this missense variant is expected to disrupt BLM protein function with a positive predictive value of 80%. In summary, the available evidence is currently insufficient to determine the role of this variant in disease. Therefore, it has been classified as a Variant of Uncertain Significance.

Quest Diagnostics Nichols Institute San Juan Capistrano
Classification: Uncertain significance. Last evaluated: 2025-01-23. Review status: criteria provided, single submitter. Criteria: Quest Diagnostics criteria. Collection method: clinical testing. Allele origin: unknown.
Comment: The BLM c.2351A>G (p.Tyr784Cys) variant has not been reported in germline state in individuals with BLM-related conditions. The frequency of this variant in the general population (Genome Aggregation Database) is uninformative in the assessment of its pathogenicity. Analysis of this variant using bioinformatics tools for the prediction of the effect of amino acid changes on protein structure and function yielded predictions that this variant is damaging. Based on the available information, we are unable to determine the clinical significance of this variant.

Ambry Genetics
Classification: Uncertain significance for Hereditary cancer-predisposing syndrome. Last evaluated: 2025-01-15. Review status: criteria provided, single submitter. Criteria: Ambry Variant Classification Scheme 2023. Collection method: clinical testing. Allele origin: germline.
Comment: The p.Y784C variant (also known as c.2351A>G), located in coding exon 10 of the BLM gene, results from an A to G substitution at nucleotide position 2351. The tyrosine at codon 784 is replaced by cysteine, an amino acid with highly dissimilar properties. This amino acid position is highly conserved in available vertebrate species. In addition, the in silico prediction for this alteration is inconclusive. Based on the available evidence, the clinical significance of this variant remains unclear.

Sema4
Classification: Uncertain significance for Hereditary cancer-predisposing syndrome. Last evaluated: 2021-09-15. Review status: criteria provided, single submitter. Criteria: Sema4 Curation Guidelines. Collection method: curation. Allele origin: germline.
Comment: To the best of our knowledge, the BLM c.2351A>G (p.Y784C) variant has not been reported in the germline of individuals with BLM-related disease. It was observed in 5/282874 chromosomes, with no homozygotes, across all populations in the large and broad cohorts of the Genome Aggregation Database (PMID: 32461654). The variant has been reported in ClinVar (Variation ID: 454100). Functional studies have not been performed, and in silico predictions of the variant's effect on protein function are inconclusive. The evidence is insufficient to meet ACMG/AMP criteria for classifying the variant as benign or pathogenic. Thus, the clinical significance of this variant is currently uncertain.

Fulgent Genetics
Classification: Uncertain significance for Bloom syndrome. Last evaluated: 2021-07-25. Review status: criteria provided, single submitter. Criteria: ACMG Guidelines, 2015. Collection method: clinical testing. Allele origin: unknown.

Natera, Inc.
Classification: Uncertain significance for Bloom syndrome. Last evaluated: 2020-09-16. Review status: no assertion criteria provided. Collection method: clinical testing. Allele origin: germline. Not counted in ClinVar's aggregate classification.

Dr. Peter K. Rogan Lab, Western University
No classification provided (evidence only). Condition: Colon adenocarcinoma. Review status: no classification provided. Collection method: in vitro. Allele origin: not applicable. Functional consequence: retained intron. Not counted in ClinVar's aggregate classification.

Literature cited by the submitters: PubMed 23908689 (cited by Quest Diagnostics Nichols Institute San Juan Capistrano).

NM_000057.4(BLM):c.2351A>G (p.Tyr784Cys)

Gene: BLM (BLM RecQ like helicase; plus strand). Cytogenetic location: 15q26.1.
Variant type: single nucleotide variant.
Coding change: c.2351A>G on transcript NM_000057.4 (MANE Select); coding-DNA position 2351, A replaced by G.
Protein change: p.Tyr784Cys; replaces tyrosine 784 with cysteine.
Molecular consequence: missense variant.
Genome position (GRCh38, 1-based): chr15:90,769,176, A>G. VCF-style: chr15-90769176-A-G. GRCh37 (hg19) VCF-style: chr15-91312406-A-G.
Other names: c.2351A>G, p.Tyr784Cys (NM_001287246.2, NM_001287247.2); c.1226A>G, p.Tyr409Cys (NM_001287248.2); c.2351A>G (NM_000057.2); short protein forms Y784C, Y409C.
Identifiers: ClinVar variation 454100 (VCV000454100.17), dbSNP rs753635754, ClinGen allele CA393845115.